The following is an entry in ClinVar:

NM_000081.4(LYST):c.5479T>C (p.Cys1827Arg)

Gene: LYST (lysosomal trafficking regulator; minus strand). Cytogenetic location: 1q42.3.
Variant type: single nucleotide variant.
Coding change: c.5479T>C on transcript NM_000081.4 (MANE Select); coding-DNA position 5479, T replaced by C.
Protein change: p.Cys1827Arg; replaces cysteine 1827 with arginine.
Molecular consequence: missense variant.
Genome position (GRCh38, 1-based): chr1:235,775,068, A>G on the plus strand (T>C on the coding strand, the complement: LYST is on the minus strand). VCF-style: chr1-235775068-A-G. GRCh37 (hg19) VCF-style: chr1-235938368-A-G.
Other names: c.5479T>C (NM_000081.2); c.5479T>C, p.Cys1827Arg (NM_001301365.1); short protein forms C1827R.
Identifiers: ClinVar variation 1471051 (VCV001471051.4), dbSNP rs148929238, ClinGen allele CA39621569.
Genomic context (GRCh38, chr1:235,775,068, plus strand): 5'-GTTGGTTGTATTTAATTAATGAGAGTATAACTCGCAGTGCTAATGCTTGAGTTTCTTCAC[A>G]GCTACTGAGTTCAACAACCTAAAAAAAAAAATGGGTGGATATAGTTTTCTCCCAATTTGC-3'
Protein context (NP_000072.2, residues 1817-1837): LFARVVELSS[Cys1827Arg]EETQALALRV

ClinVar aggregate classification (germline): Uncertain significance. Review status: criteria provided, multiple submitters, no conflicts (2 of 4 stars). 2 submissions from 2 submitters: Uncertain significance (2). Last evaluated 2025-12-10.

Conditions:
Inborn genetic diseases. Identifiers: MedGen C0950123, MeSH D030342.
Chédiak-Higashi syndrome (CHS). Also called: Chediak-Higashi Syndrome. Identifiers: Orphanet 167, MedGen C0007965, MONDO:0008963, OMIM 214500.

Allele frequency attached by ClinVar (database versions not stated): gnomAD exomes below 0.00001; gnomAD 0.00003; TOPMed 0.00004; ESP Exome Variant Server 0.00015.
gnomAD v4.1: 10 of 1,611,244 alleles (0.00062%); highest among the groups gnomAD compares: African/African-American, 0.013%; no homozygotes.

Submissions (2):

Ambry Genetics
Classification: Uncertain significance for Inborn genetic diseases. Last evaluated: 2025-12-10. Review status: criteria provided, single submitter. Criteria: Ambry Variant Classification Scheme 2023. Collection method: clinical testing. Allele origin: germline.

Labcorp Genetics (formerly Invitae), Labcorp
Classification: Uncertain significance for Chédiak-Higashi syndrome. Last evaluated: 2022-09-27. Review status: criteria provided, single submitter. Criteria: Invitae Variant Classification Sherloc (09022015). Collection method: clinical testing. Allele origin: germline.
Comment: This sequence change replaces cysteine, which is neutral and slightly polar, with arginine, which is basic and polar, at codon 1827 of the LYST protein (p.Cys1827Arg). The frequency data for this variant in the population databases is considered unreliable, as metrics indicate poor data quality at this position in the gnomAD database. This variant has not been reported in the literature in individuals affected with LYST-related conditions. ClinVar contains an entry for this variant (Variation ID: 1471051). Advanced modeling of protein sequence and biophysical properties (such as structural, functional, and spatial information, amino acid conservation, physicochemical variation, residue mobility, and thermodynamic stability) performed at Invitae indicates that this missense variant is not expected to disrupt LYST protein function. In summary, the available evidence is currently insufficient to determine the role of this variant in disease. Therefore, it has been classified as a Variant of Uncertain Significance.